The following is an entry in ClinVar:

NM_000214.3(JAG1):c.455T>A (p.Ile152Asn)

Gene: JAG1 (jagged canonical Notch ligand 1; minus strand). Cytogenetic location: 20p12.2.
Variant type: single nucleotide variant.
Coding change: c.455T>A on transcript NM_000214.3 (MANE Select); coding-DNA position 455, T replaced by A.
Protein change: p.Ile152Asn; replaces isoleucine 152 with asparagine.
Molecular consequence: missense variant.
Genome position (GRCh38, 1-based): chr20:10,658,707, A>T on the plus strand (T>A on the coding strand, the complement: JAG1 is on the minus strand). VCF-style: chr20-10658707-A-T. GRCh37 (hg19) VCF-style: chr20-10639355-A-T.
Other names: short protein forms I152N.
Identifiers: ClinVar variation 3573311 (VCV003573311.2).

Conditions:
Arteriohepatic dysplasia. Also called: Alagille Syndrome. Identifiers: Orphanet 52, MedGen C0085280, MeSH D016738, MONDO:0007318.

Submission:

Gilbert/Spinner Lab, Children's Hospital of Philadelphia
No classification provided (evidence only). Condition: Alagille syndrome. Review status: no classification provided. Collection method: research. Allele origin: not applicable. Functional consequence: functionally_abnormal.
ClinVar note: "not provided" was previously submitted as the classification for the variant. However, the classification appeared to be based only on an observation of functional data so it was converted to no classification on 2025-07-30.